The following is an entry in ClinVar:

ClinVar aggregate classification (germline): Uncertain significance. Review status: criteria provided, single submitter (1 of 4 stars). 2 submissions from 2 submitters: Uncertain significance (1). 1 of the submissions does not count toward it. Last evaluated 2024-12-31.

Conditions:
USP9X-related disorder. Also called: USP9X-related condition.

gnomAD v4.1: 2 of 1,211,055 alleles (0.00017%); highest among the groups gnomAD compares: Non-Finnish European, 0.00022%; no homozygotes.

Submissions (2):

Labcorp Genetics (formerly Invitae), Labcorp
Classification: Uncertain significance. Last evaluated: 2024-12-31. Review status: criteria provided, single submitter. Criteria: Invitae Variant Classification Sherloc (09022015). Collection method: clinical testing. Allele origin: germline.
Comment: This sequence change replaces isoleucine, which is neutral and non-polar, with valine, which is neutral and non-polar, at codon 861 of the USP9X protein (p.Ile861Val). This variant is present in population databases (rs760993525, gnomAD 0.001%). This variant has not been reported in the literature in individuals affected with USP9X-related conditions. An algorithm developed to predict the effect of missense changes on protein structure and function (PolyPhen-2) suggests that this variant is likely to be disruptive. In summary, the available evidence is currently insufficient to determine the role of this variant in disease. Therefore, it has been classified as a Variant of Uncertain Significance.

PreventionGenetics, part of Exact Sciences
Classification: Uncertain significance for USP9X-related condition. Last evaluated: 2024-05-29. Review status: no assertion criteria provided. Collection method: clinical testing. Allele origin: germline. Not counted in ClinVar's aggregate classification.
Comment: The USP9X c.2581A>G variant is predicted to result in the amino acid substitution p.Ile861Val. To our knowledge, this variant has not been reported in the literature. This variant is reported in 0.0012% of alleles in individuals of European (Non-Finnish) descent in gnomAD. At this time, the clinical significance of this variant is uncertain due to the absence of conclusive functional and genetic evidence.

NM_001039591.3(USP9X):c.2581A>G (p.Ile861Val)

Gene: USP9X (ubiquitin specific peptidase 9 X-linked; plus strand). Cytogenetic location: Xp11.4.
Variant type: single nucleotide variant.
Coding change: c.2581A>G on transcript NM_001039591.3 (MANE Select); coding-DNA position 2581, A replaced by G.
Protein change: p.Ile861Val; replaces isoleucine 861 with valine.
Molecular consequence: missense variant.
Genome position (GRCh38, 1-based): chrX:41,168,163, A>G. VCF-style: chrX-41168163-A-G. GRCh37 (hg19) VCF-style: chrX-41027416-A-G.
Other names: c.2581A>G, p.Ile861Val (NM_001039590.3); c.2596A>G, p.Ile866Val (NM_001410748.1, NM_001410749.1); short protein forms I861V, I866V.
Identifiers: ClinVar variation 3347905 (VCV003347905.3).